The following is an entry in ClinVar:

NM_004239.4(TRIP11):c.5399A>G (p.His1800Arg)

Gene: TRIP11 (thyroid hormone receptor interactor 11; minus strand). Cytogenetic location: 14q32.12.
Variant type: single nucleotide variant.
Coding change: c.5399A>G on transcript NM_004239.4 (MANE Select); coding-DNA position 5399, A replaced by G.
Protein change: p.His1800Arg; replaces histidine 1800 with arginine.
Molecular consequence: missense variant.
Genome position (GRCh38, 1-based): chr14:91,975,230, T>C on the plus strand (A>G on the coding strand, the complement: TRIP11 is on the minus strand). VCF-style: chr14-91975230-T-C. GRCh37 (hg19) VCF-style: chr14-92441574-T-C.
Other names: c.5396A>G, p.His1799Arg (NM_001321851.1); short protein forms H1799R, H1800R.
Identifiers: ClinVar variation 4768960 (VCV004768960.1).

ClinVar aggregate classification (germline): Uncertain significance (1 of 4 stars; one submission).

Conditions:
Achondrogenesis, type IA (ACG1A). Identifiers: Orphanet 932, Orphanet 93299, MedGen C0265273, MONDO:0008701, OMIM 200600.

Submission:

Labcorp Genetics (formerly Invitae), Labcorp
Classification: Uncertain significance for Achondrogenesis, type IA. Last evaluated: 2025-12-01. Review status: criteria provided, single submitter. Criteria: Invitae Variant Classification Sherloc (09022015). Collection method: clinical testing. Allele origin: germline.
Comment: This sequence change replaces histidine, which is basic and polar, with arginine, which is basic and polar, at codon 1800 of the TRIP11 protein (p.His1800Arg). This variant is not present in population databases (gnomAD no frequency). This variant has not been reported in the literature in individuals affected with TRIP11-related conditions. Invitae Evidence Modeling of protein sequence and biophysical properties (such as structural, functional, and spatial information, amino acid conservation, physicochemical variation, residue mobility, and thermodynamic stability) indicates that this missense variant is not expected to disrupt TRIP11 protein function with a negative predictive value of 80%. In summary, the available evidence is currently insufficient to determine the role of this variant in disease. Therefore, it has been classified as a Variant of Uncertain Significance.